The following is an entry in ClinVar:

ClinVar aggregate classification (germline): Likely pathogenic (1 of 4 stars; one submission).

Conditions:
Lynch syndrome. Identifiers: Orphanet 144, MedGen C4552100, MONDO:0005835. Disease mechanism: loss of function.

Submission:

Department of Clinical Genetics, Copenhagen University Hospital, Rigshospitalet
Classification: Likely pathogenic for Lynch syndrome. Last evaluated: 2025-02-04. Review status: criteria provided, single submitter. Criteria: ACMG Guidelines, 2015. Collection method: clinical testing. Allele origin: germline.
Comment: PVS1; PM2_SUP;

NM_000179.3(MSH6):c.3815_3830dup (p.Asp1277delinsGluLysTer)

Gene: MSH6 (mutS homolog 6; plus strand). Cytogenetic location: 2p16.3.
Variant type: Duplication.
Coding change: c.3815_3830dup on transcript NM_000179.3 (MANE Select); coding-DNA positions 3815 to 3830, 16 bases duplicated (AAAATGAATGTGAAGA).
Protein change: p.Asp1277delinsGluLysTer.
Molecular consequence: nonsense. On other transcripts: frameshift variant (1), non-coding transcript variant (5), intron variant (1).
Genome position (GRCh38, 1-based): chr2:47,806,465-47,806,480, AAAATGAATGTGAAGA duplicated. VCF-style (leftmost placement, unchanged base first): chr2-47806464-G-GAAAATGAATGTGAAGA. GRCh37 (hg19) VCF-style: chr2-48033603-G-GAAAATGAATGTGAAGA.
Other names: c.3425_3440dup, p.Asp1147delinsGluLysTer (NM_001281492.2); c.2909_2924dup, p.Asp975delinsGluLysTer (NM_001281493.2, NM_001281494.2, NM_001406811.1 and 6 more transcripts); c.3911_3926dup, p.Asp1309delinsGluLysTer (NM_001406795.1); c.3815_3830dup, p.Asp1277delinsGluLysTer (NM_001406796.1, NM_001406808.1, NM_001406809.1); c.3518_3533dup, p.Asp1178delinsGluLysTer (NM_001406797.1, NM_001406801.1, NM_001406805.1 and 10 more transcripts); c.3641_3656dup, p.Asp1219delinsGluLysTer (NM_001406798.1); c.3290_3305dup, p.Asp1102delinsGluLysTer (NM_001406799.1, NM_001406806.1, NM_001406807.1); c.3802_3817dup, p.Thr1273fs (NM_001406800.1); and 9 more; short protein forms T1273fs.
Identifiers: ClinVar variation 3602791 (VCV003602791.2).
Genomic context (GRCh38, chr2:47,806,464, plus strand): 5'-GCACTTCTCTTGCTAGCACATGTATCGCTAATATTTTTCTTTCTTAAGGCATGCATGGTA[G>GAAAATGAATGTGAAGA]AAAATGAATGTGAAGACCCCAGCCAGGAGACTATTACGTTCCTCTATAAATTCATTAAGG-3'